The following is an entry in ClinVar:

ClinVar aggregate classification (germline): Uncertain significance (1 of 4 stars; one submission).

gnomAD v4.1: 1 of 1,613,362 alleles (0.000062%); highest among the groups gnomAD compares: African/African-American, 0.0013%; no homozygotes.

Submission:

GeneDx
Classification: Uncertain significance. Last evaluated: 2026-01-21. Review status: criteria provided, single submitter. Criteria: GeneDx Variant Classification Process June 2021. Collection method: clinical testing. Allele origin: germline.
Comment: Not observed at significant frequency in large population cohorts (gnomAD); In silico analysis supports that this missense variant has a deleterious effect on protein structure/function; Has not been previously published as pathogenic or benign to our knowledge

NM_004444.5(EPHB4):c.368C>A (p.Ala123Asp)

Gene: EPHB4 (EPH receptor B4; minus strand). Cytogenetic location: 7q22.1.
Variant type: single nucleotide variant.
Coding change: c.368C>A on transcript NM_004444.5 (MANE Select); coding-DNA position 368, C replaced by A.
Protein change: p.Ala123Asp; replaces alanine 123 with aspartic acid.
Molecular consequence: missense variant.
Genome position (GRCh38, 1-based): chr7:100,823,687, G>T on the plus strand (C>A on the coding strand, the complement: EPHB4 is on the minus strand). VCF-style: chr7-100823687-G-T. GRCh37 (hg19) VCF-style: chr7-100421309-G-T.
Other names: short protein forms A123D.
Identifiers: ClinVar variation 4888188 (VCV004888188.1).
Genomic context (GRCh38, chr7:100,823,687, plus strand): 5'-TGGGGGCACCCAGGTACCTTGATGTAGGGGTTCTCCATCCAGGCTGGCGTGAGGGCCGTG[G>T]CCGTGTCCGCATCGCTCTCATAGTAGAAGACGGTGAAGGTCTCCTTGCAGGAGCGCCCAG-3'
Protein context (NP_004435.3, residues 113-133): VFYYESDADT[Ala123Asp]TALTPAWMEN